The following is an entry in ClinVar:

NM_002769.5(PRSS1):c.294A>T (p.Gln98His)

Genes: TRB (T cell receptor beta locus; plus strand), PRSS1 (serine protease 1; plus strand). Cytogenetic location: 7q34.
Variant type: single nucleotide variant.
Coding change: c.294A>T on transcript NM_002769.5 (MANE Select); coding-DNA position 294, A replaced by T.
Protein change: p.Gln98His; replaces glutamine 98 with histidine.
Molecular consequence: missense variant.
Genome position (GRCh38, 1-based): chr7:142,751,867, A>T. VCF-style: chr7-142751867-A-T. GRCh37 (hg19) VCF-style: chr7-142459718-A-T.
Other names: short protein forms Q98H.
Identifiers: ClinVar variation 580122 (VCV000580122.10), dbSNP rs1563261128, ClinGen allele CA369608695.
Genomic context (GRCh38, chr7:142,751,867, plus strand): 5'-CGAAGTCCTGGAGGGGAATGAGCAGTTCATCAATGCAGCCAAGATCATCCGCCACCCCCA[A>T]TACGACAGGAAGACTCTGAACAATGACATCATGTTAATCAAGCTCTCCTCACGTGCAGTA-3'
Protein context (NP_002760.1, residues 88-108): INAAKIIRHP[Gln98His]YDRKTLNNDI

ClinVar aggregate classification (germline): Uncertain significance. Review status: criteria provided, multiple submitters, no conflicts (2 of 4 stars). 2 submissions from 2 submitters: Uncertain significance (2). Last evaluated 2023-12-29.

Conditions:
Hereditary pancreatitis (PCTT). Also called: PRSS1-Related Hereditary Pancreatitis; Hereditary chronic pancreatitis. Identifiers: Orphanet 676, MedGen C0238339, MONDO:0008185, OMIM 167800.

gnomAD v4.1: 1 of 1,614,006 alleles (0.000062%); highest among the groups gnomAD compares: Non-Finnish European, 0.000085%; no homozygotes.

Submissions (2):

Ambry Genetics
Classification: Uncertain significance for Hereditary pancreatitis. Last evaluated: 2023-12-29. Review status: criteria provided, single submitter. Criteria: Ambry Variant Classification Scheme 2023. Collection method: clinical testing. Allele origin: germline.
Comment: The p.Q98H variant (also known as c.294A>T), located in coding exon 3 of the PRSS1 gene, results from an A to T substitution at nucleotide position 294. The glutamine at codon 98 is replaced by histidine, an amino acid with highly similar properties. This amino acid position is conserved. In addition, the in silico prediction for this alteration is inconclusive. Since supporting evidence is limited at this time, the clinical significance of this alteration remains unclear.

Labcorp Genetics (formerly Invitae), Labcorp
Classification: Uncertain significance for Hereditary pancreatitis. Last evaluated: 2022-08-31. Review status: criteria provided, single submitter. Criteria: Invitae Variant Classification Sherloc (09022015). Collection method: clinical testing. Allele origin: germline.
Comment: This variant is not present in population databases (gnomAD no frequency). This sequence change replaces glutamine, which is neutral and polar, with histidine, which is basic and polar, at codon 98 of the PRSS1 protein (p.Gln98His). This variant has not been reported in the literature in individuals affected with PRSS1-related conditions. In summary, the available evidence is currently insufficient to determine the role of this variant in disease. Therefore, it has been classified as a Variant of Uncertain Significance. Algorithms developed to predict the effect of missense changes on protein structure and function (SIFT, PolyPhen-2, Align-GVGD) all suggest that this variant is likely to be tolerated. ClinVar contains an entry for this variant (Variation ID: 580122).